The following is an entry in ClinVar:

NC_012920.1(MT-CO2):m.7941A>G

Gene: MT-CO2 (mitochondrially encoded cytochrome c oxidase II; plus strand).
Variant type: single nucleotide variant.
Genome position: chrM-7941-A-G.
Identifiers: ClinVar variation 692800 (VCV000692800.1), dbSNP rs1603221223, ClinGen allele CA414794336.

ClinVar aggregate classification (germline): Likely benign (1 of 4 stars; one submission).

Conditions:
Leigh syndrome (NULS). Also called: Leigh's necrotizing encephalopathy; Leigh's disease; Leigh Syndrome (mtDNA deletion); Leigh Disease; Subacute necrotizing encephalopathy; Necrotizing encephalopathy infantile subacute of Leigh. Identifiers: Orphanet 506, MedGen C2931891, MONDO:0009723, OMIM 256000.

Submission:

Wong Mito Lab, Molecular and Human Genetics, Baylor College of Medicine
Classification: Likely benign for Leigh syndrome. Last evaluated: 2019-10-17. Review status: criteria provided, single submitter. Criteria: Modified ACMG Guidelines (Unpublished). Collection method: clinical testing. Allele origin: germline.
Comment: The NC_012920.1:m.7941A>G (YP_003024029.1:p.Asn119Ser) variant in MTCO2 gene is interpretated to be a Likely Benign variant based on the modified ACMG guidelines (unpublished). This variant meets the following evidence codes: BS4, BP6